The following is an entry in ClinVar:

ClinVar aggregate classification (germline): Uncertain significance (1 of 4 stars; one submission).

gnomAD v4.1: 5 of 1,613,828 alleles (0.00031%); highest among the groups gnomAD compares: Non-Finnish European, 0.00042%; no homozygotes.

Submission:

Labcorp Genetics (formerly Invitae), Labcorp
Classification: Uncertain significance. Last evaluated: 2024-08-08. Review status: criteria provided, single submitter. Criteria: Invitae Variant Classification Sherloc (09022015). Collection method: clinical testing. Allele origin: germline.
Comment: This sequence change replaces lysine, which is basic and polar, with asparagine, which is neutral and polar, at codon 811 of the TCIRG1 protein (p.Lys811Asn). This variant is present in population databases (no rsID available, gnomAD 0.0009%). This variant has not been reported in the literature in individuals affected with TCIRG1-related conditions. Advanced modeling of protein sequence and biophysical properties (such as structural, functional, and spatial information, amino acid conservation, physicochemical variation, residue mobility, and thermodynamic stability) performed at Invitae indicates that this missense variant is expected to disrupt TCIRG1 protein function with a positive predictive value of 80%. In summary, the available evidence is currently insufficient to determine the role of this variant in disease. Therefore, it has been classified as a Variant of Uncertain Significance.

NM_006019.4(TCIRG1):c.2433G>C (p.Lys811Asn)

Gene: TCIRG1 (T cell immune regulator 1, ATPase H+ transporting V0 subunit a3; plus strand). Cytogenetic location: 11q13.2.
Variant type: single nucleotide variant.
Coding change: c.2433G>C on transcript NM_006019.4 (MANE Select); coding-DNA position 2433, G replaced by C.
Protein change: p.Lys811Asn; replaces lysine 811 with asparagine.
Molecular consequence: missense variant.
Genome position (GRCh38, 1-based): chr11:68,050,759, G>C. VCF-style: chr11-68050759-G-C. GRCh37 (hg19) VCF-style: chr11-67818226-G-C.
Other names: c.1539G>C, p.Lys513Asn (NM_001351059.2); c.1785G>C, p.Lys595Asn (NM_006053.4); short protein forms K513N, K595N, K811N.
Identifiers: ClinVar variation 3626636 (VCV003626636.2).